The following is an entry in ClinVar:

ClinVar aggregate classification (germline): Uncertain significance. Review status: criteria provided, multiple submitters, no conflicts (2 of 4 stars). 2 submissions from 2 submitters: Uncertain significance (2). Last evaluated 2024-05-08.

Conditions:
Focal segmental glomerulosclerosis 6 (FSGS6). Identifiers: Orphanet 656, MedGen C3279905, MONDO:0013589, OMIM 614131.

Allele frequency attached by ClinVar (database versions not stated): ExAC 0.00001; gnomAD exomes 0.00002 and 0.00003; gnomAD 0.00003; TOPMed 0.00003.
gnomAD v4.1: 52 of 1,614,028 alleles (0.0032%); highest among the groups gnomAD compares: Non-Finnish European, 0.0042%; no homozygotes.

Submissions (2):

Fulgent Genetics
Classification: Uncertain significance for Focal segmental glomerulosclerosis 6. Last evaluated: 2024-05-08. Review status: criteria provided, single submitter. Criteria: ACMG Guidelines, 2015. Collection method: clinical testing. Allele origin: germline.

Labcorp Genetics (formerly Invitae), Labcorp
Classification: Uncertain significance. Last evaluated: 2021-06-01. Review status: criteria provided, single submitter. Criteria: Invitae Variant Classification Sherloc (09022015). Collection method: clinical testing. Allele origin: germline.
Comment: This variant has not been reported in the literature in individuals with MYO1E-related conditions. This variant is present in population databases (rs748002235, ExAC 0.006%). This sequence change falls in intron 27 of the MYO1E gene. It does not directly change the encoded amino acid sequence of the MYO1E protein. It affects a nucleotide within the consensus splice site of the intron. Nucleotide substitutions within the consensus splice site are a relatively common cause of aberrant splicing (PMID: 17576681, 9536098). Algorithms developed to predict the effect of sequence changes on RNA splicing suggest that this variant may create or strengthen a splice site, but this prediction has not been confirmed by published transcriptional studies. In summary, the available evidence is currently insufficient to determine the role of this variant in disease. Therefore, it has been classified as a Variant of Uncertain Significance.

Literature cited by the submitters: PubMed 17576681 (cited by Labcorp Genetics (formerly Invitae), Labcorp); PubMed 9536098 (cited by Labcorp Genetics (formerly Invitae), Labcorp).

NM_004998.4(MYO1E):c.3250+4A>G

Gene: MYO1E (myosin IE; minus strand). Cytogenetic location: 15q22.2.
Variant type: single nucleotide variant.
Coding change: c.3250+4A>G on transcript NM_004998.4 (MANE Select); 4 bases into the intron after coding-DNA position 3250, A replaced by G.
Molecular consequence: intron variant.
Genome position (GRCh38, 1-based): chr15:59,138,194, T>C on the plus strand (A>G on the coding strand, the complement: MYO1E is on the minus strand). VCF-style: chr15-59138194-T-C. GRCh37 (hg19) VCF-style: chr15-59430393-T-C.
Identifiers: ClinVar variation 1353427 (VCV001353427.5), dbSNP rs748002235, ClinGen allele CA7588975.
Genomic context (GRCh38, chr15:59,138,194, plus strand): 5'-TCTTACAGCAATGTGACTGCATGCTCTTTGGGAGGCTGTCCCAGCCAACCAGCCACACAC[T>C]TACCTTCTTTGATAATATCAATAATGTCATTGGCATTAAAGCTGAGTTCGTCTGTGTCCT-3'